The following is an entry in ClinVar:

NM_001904.4(CTNNB1):c.1163T>C (p.Leu388Pro)

Gene: CTNNB1 (catenin beta 1; plus strand). Cytogenetic location: 3p22.1.
Variant type: single nucleotide variant.
Coding change: c.1163T>C on transcript NM_001904.4 (MANE Select); coding-DNA position 1163, T replaced by C.
Protein change: p.Leu388Pro; replaces leucine 388 with proline.
Molecular consequence: missense variant.
Genome position (GRCh38, 1-based): chr3:41,233,422, T>C. VCF-style: chr3-41233422-T-C. GRCh37 (hg19) VCF-style: chr3-41274913-T-C.
Other names: c.1163T>C, p.Leu388Pro (NM_001098209.2, NM_001098210.2); c.1142T>C, p.Leu381Pro (NM_001330729.2); short protein forms L388P, L381P.
Identifiers: ClinVar variation 560986 (VCV000560986.2), dbSNP rs1559474140, ClinGen allele CA352232278.
Genomic context (GRCh38, chr3:41,233,422, plus strand): 5'-TTCACCTGACAGATCCAAGTCAACGTCTTGTTCAGAACTGTCTTTGGACTCTCAGGAATC[T>C]TTCAGATGCTGCAACTAAACAGGTAAATTCTGAGTAAACTGGTGCCATGGGAATAGAGTC-3'
Protein context (NP_001895.1, residues 378-398): VQNCLWTLRN[Leu388Pro]SDAATKQEGM

ClinVar aggregate classification (germline): Uncertain significance (1 of 4 stars; one submission).

Conditions:
Severe intellectual disability-progressive spastic diplegia syndrome (NEDSDV). Also called: NEURODEVELOPMENTAL DISORDER WITH SPASTIC DIPLEGIA AND VISUAL DEFECTS; CTNNB1 Neurodevelopmental Disorder. Identifiers: Orphanet 404473, MedGen C3554449, MONDO:0014035, OMIM 615075.

Submission:

Baylor Genetics
Classification: Uncertain significance for Severe intellectual disability-progressive spastic diplegia syndrome. Last evaluated: 2017-09-01. Review status: criteria provided, single submitter. Criteria: ACMG Guidelines, 2015. Collection method: clinical testing. Allele origin: de novo. Inheritance: Autosomal dominant inheritance. Affected: yes.

Literature cited by the submitters: PubMed 25326635.